The following is an entry in ClinVar:

NM_020649.3(CBX8):c.20G>A (p.Gly7Glu)

Genes: CBX8 (chromobox 8; minus strand), LOC130061880 (ATAC-STARR-seq lymphoblastoid silent region 9085; plus strand). Cytogenetic location: 17q25.3.
Variant type: single nucleotide variant.
Coding change: c.20G>A on transcript NM_020649.3 (MANE Select); coding-DNA position 20, G replaced by A.
Protein change: p.Gly7Glu; replaces glycine 7 with glutamic acid.
Molecular consequence: missense variant.
Genome position (GRCh38, 1-based): chr17:79,796,979, C>T on the plus strand (G>A on the coding strand, the complement: CBX8 is on the minus strand). VCF-style: chr17-79796979-C-T. GRCh37 (hg19) VCF-style: chr17-77770778-C-T.
Other names: NM_020649.3:c.20G>A; short protein forms G7E.
Identifiers: ClinVar variation 3383294 (VCV003383294.1).

ClinVar aggregate classification (germline): Uncertain significance (1 of 4 stars; one submission).

Conditions:
Spastic cerebral palsy. Identifiers: MedGen C0338596, MONDO:0000396.

Submission:

Broad Center for Mendelian Genomics, Broad Institute of MIT and Harvard
Classification: Uncertain significance for Spastic cerebral palsy. Last evaluated: 2024-11-25. Review status: criteria provided, single submitter. Criteria: ACMG Guidelines, 2015. Collection method: curation. Allele origin: germline. Inheritance: Autosomal dominant inheritance. Study: GREGoR Consortium.
Comment: While this gene is still lacking sufficient evidence to establish a gene-disease relationship, we believe this is a possible novel gene candidate for spastic cerebral palsy. Given the limited information about this gene-disease relationship, the significance of the p.Gly7Glu variant is uncertain. If you have any additional information about functional evidence or other individuals with this phenotype that also have variants in CBX8 we encourage you to reach out to us.